The following is an entry in ClinVar:

NM_002017.5(FLI1):c.1276C>T (p.Pro426Ser)

Gene: FLI1 (Fli-1 proto-oncogene, ETS transcription factor; plus strand). Cytogenetic location: 11q24.3.
Variant type: single nucleotide variant.
Coding change: c.1276C>T on transcript NM_002017.5 (MANE Select); coding-DNA position 1276, C replaced by T.
Protein change: p.Pro426Ser; replaces proline 426 with serine.
Molecular consequence: missense variant.
Genome position (GRCh38, 1-based): chr11:128,810,905, C>T. VCF-style: chr11-128810905-C-T. GRCh37 (hg19) VCF-style: chr11-128680800-C-T.
Other names: c.1177C>T, p.Pro393Ser (NM_001167681.3, NM_001440369.1, NM_001440370.1 and 1 more transcripts); c.1078C>T, p.Pro360Ser (NM_001271010.2); c.697C>T, p.Pro233Ser (NM_001271012.2); c.1150C>T, p.Pro384Ser (NM_001440372.1); short protein forms P360S, P384S, P233S, P393S, P426S.
Identifiers: ClinVar variation 4741460 (VCV004741460.1).

ClinVar aggregate classification (germline): Uncertain significance (1 of 4 stars; one submission).

gnomAD v4.1: 6 of 1,613,934 alleles (0.00037%); highest among the groups gnomAD compares: Non-Finnish European, 0.00051%; no homozygotes.

Submission:

Labcorp Genetics (formerly Invitae), Labcorp
Classification: Uncertain significance. Last evaluated: 2025-10-23. Review status: criteria provided, single submitter. Criteria: Invitae Variant Classification Sherloc (09022015). Collection method: clinical testing. Allele origin: germline.
Comment: This sequence change replaces proline, which is neutral and non-polar, with serine, which is neutral and polar, at codon 426 of the FLI1 protein (p.Pro426Ser). This variant is not present in population databases (gnomAD no frequency). This variant has not been reported in the literature in individuals affected with FLI1-related conditions. Invitae Evidence Modeling of protein sequence and biophysical properties (such as structural, functional, and spatial information, amino acid conservation, physicochemical variation, residue mobility, and thermodynamic stability) indicates that this missense variant is not expected to disrupt FLI1 protein function with a negative predictive value of 80%. In summary, the available evidence is currently insufficient to determine the role of this variant in disease. Therefore, it has been classified as a Variant of Uncertain Significance.